The following is an entry in ClinVar:

NM_152617.4(RNF168):c.1478A>G (p.Asn493Ser)

Gene: RNF168 (ring finger protein 168; minus strand). Cytogenetic location: 3q29.
Variant type: single nucleotide variant.
Coding change: c.1478A>G on transcript NM_152617.4 (MANE Select); coding-DNA position 1478, A replaced by G.
Protein change: p.Asn493Ser; replaces asparagine 493 with serine.
Molecular consequence: missense variant.
Genome position (GRCh38, 1-based): chr3:196,472,057, T>C on the plus strand (A>G on the coding strand, the complement: RNF168 is on the minus strand). VCF-style: chr3-196472057-T-C. GRCh37 (hg19) VCF-style: chr3-196198928-T-C.
Other names: c.1478A>G (NM_152617.3); short protein forms N493S.
Identifiers: ClinVar variation 1435520 (VCV001435520.4), dbSNP rs1732019555, ClinGen allele CA355615460.

ClinVar aggregate classification (germline): Uncertain significance. Review status: criteria provided, multiple submitters, no conflicts (2 of 4 stars). 2 submissions from 2 submitters: Uncertain significance (2). Last evaluated 2025-08-22.

Conditions:
Inborn genetic diseases. Identifiers: MedGen C0950123, MeSH D030342.

Allele frequency attached by ClinVar (database versions not stated): gnomAD exomes below 0.00001; TOPMed below 0.00001.
gnomAD v4.1: 6 of 1,613,796 alleles (0.00037%); highest among the groups gnomAD compares: Admixed American, 0.0083%; no homozygotes.

Submissions (2):

Ambry Genetics
Classification: Uncertain significance for Inborn genetic diseases. Last evaluated: 2025-08-22. Review status: criteria provided, single submitter. Criteria: Ambry Variant Classification Scheme 2023. Collection method: clinical testing. Allele origin: germline.

Labcorp Genetics (formerly Invitae), Labcorp
Classification: Uncertain significance. Last evaluated: 2022-08-09. Review status: criteria provided, single submitter. Criteria: Invitae Variant Classification Sherloc (09022015). Collection method: clinical testing. Allele origin: germline.
Comment: This sequence change replaces asparagine, which is neutral and polar, with serine, which is neutral and polar, at codon 493 of the RNF168 protein (p.Asn493Ser). This variant is not present in population databases (gnomAD no frequency). This variant has not been reported in the literature in individuals affected with RNF168-related conditions. ClinVar contains an entry for this variant (Variation ID: 1435520). Algorithms developed to predict the effect of missense changes on protein structure and function (SIFT, PolyPhen-2, Align-GVGD) all suggest that this variant is likely to be tolerated. In summary, the available evidence is currently insufficient to determine the role of this variant in disease. Therefore, it has been classified as a Variant of Uncertain Significance.